The following is an entry in ClinVar:

ClinVar aggregate classification (germline): Uncertain significance (1 of 4 stars; one submission).

gnomAD v4.1: 6 of 1,607,512 alleles (0.00037%); highest among the groups gnomAD compares: African/African-American, 0.0067%; no homozygotes.

Submission:

Labcorp Genetics (formerly Invitae), Labcorp
Classification: Uncertain significance. Last evaluated: 2025-05-15. Review status: criteria provided, single submitter. Criteria: Invitae Variant Classification Sherloc (09022015). Collection method: clinical testing. Allele origin: germline.
Comment: This sequence change replaces alanine, which is neutral and non-polar, with threonine, which is neutral and polar, at codon 329 of the SPEG protein (p.Ala329Thr). The frequency data for this variant in the population databases is considered unreliable, as metrics indicate poor data quality at this position in the gnomAD database. This variant has not been reported in the literature in individuals affected with SPEG-related conditions. Invitae Evidence Modeling of protein sequence and biophysical properties (such as structural, functional, and spatial information, amino acid conservation, physicochemical variation, residue mobility, and thermodynamic stability) indicates that this missense variant is expected to disrupt SPEG protein function with a positive predictive value of 95%. In summary, the available evidence is currently insufficient to determine the role of this variant in disease. Therefore, it has been classified as a Variant of Uncertain Significance.

NM_005876.5(SPEG):c.985G>A (p.Ala329Thr)

Gene: SPEG (striated muscle enriched protein kinase; plus strand). Cytogenetic location: 2q35.
Variant type: single nucleotide variant.
Coding change: c.985G>A on transcript NM_005876.5 (MANE Select); coding-DNA position 985, G replaced by A.
Protein change: p.Ala329Thr; replaces alanine 329 with threonine.
Molecular consequence: missense variant.
Genome position (GRCh38, 1-based): chr2:219,448,143, G>A. VCF-style: chr2-219448143-G-A. GRCh37 (hg19) VCF-style: chr2-220312865-G-A.
Other names: c.1015G>A, p.Ala339Thr (NM_001438924.1); c.808G>A, p.Ala270Thr (NM_001438925.1); c.703G>A, p.Ala235Thr (NM_001438926.1, NM_001438929.1); c.673G>A, p.Ala225Thr (NM_001438927.1); c.526G>A, p.Ala176Thr (NM_001438928.1, NM_001438933.1); c.496G>A, p.Ala166Thr (NM_001438930.1, NM_001438934.1); c.646G>A, p.Ala216Thr (NM_001438931.1); c.439G>A, p.Ala147Thr (NM_001438932.1); short protein forms A147T, A166T, A329T, A216T, A270T, A176T, A235T, A225T.
Identifiers: ClinVar variation 4693108 (VCV004693108.1).